The following is an entry in ClinVar:

NM_032638.5(GATA2):c.1017+512C>A

Gene: GATA2 (GATA binding protein 2; minus strand). Cytogenetic location: 3q21.3.
Variant type: single nucleotide variant.
Coding change: c.1017+512C>A on transcript NM_032638.5 (MANE Select); 512 bases into the intron after coding-DNA position 1017, C replaced by A.
Molecular consequence: intron variant.
Genome position (GRCh38, 1-based): chr3:128,483,348, G>T on the plus strand (C>A on the coding strand, the complement: GATA2 is on the minus strand). VCF-style: chr3-128483348-G-T. GRCh37 (hg19) VCF-style: chr3-128202191-G-T.
Other names: c.1017+512C>A (NM_001145662.1, NM_001145661.2).
Identifiers: ClinVar variation 1499407 (VCV001499407.8), dbSNP rs890419135, ClinGen allele CA2573136519.
Genomic context (GRCh38, chr3:128,483,348, plus strand): 5'-GGAAACAGATACACGAAGTTTCCTTATCTTCAGGCTGCAGATGTCCGGATAGGAAACTCC[G>T]GCAGGAGATCCGAAAGGGCATTTTTTTAAAATCACTCAAATGAAAATACACAGTATAGGT-3'

ClinVar aggregate classification (germline): Uncertain significance (1 of 4 stars; one submission).

Conditions:
Deafness-lymphedema-leukemia syndrome. Also called: Lymphedema, primary, with myelodysplasia; Emberger syndrome. Identifiers: Orphanet 3226, MedGen C3279664, MONDO:0013540, OMIM 614038.
Monocytopenia with susceptibility to infections. Also called: MONOCYTOPENIA AND MYCOBACTERIAL INFECTION SYNDROME; MONOCYTOPENIA WITH SUSCEPTIBILITY TO MYCOBACTERIAL, FUNGAL, AND PAPILLOMAVIRUS INFECTIONS AND MYELODYSPLASIA; COMBINED IMMUNODEFICIENCY WITH SUSCEPTIBILITY TO MYCOBACTERIAL, VIRAL, AND FUNGAL INFECTIONS; Dendritic cell, monocyte, B lymphocyte, and natural killer lymphocyte deficiency; IMMUNODEFICIENCY 21; GATA2 DEFICIENCY. Identifiers: Orphanet 228423, MedGen C3280030, MONDO:0013607, OMIM 614172.

Submission:

Labcorp Genetics (formerly Invitae), Labcorp
Classification: Uncertain significance for Monocytopenia with susceptibility to infections; Deafness-lymphedema-leukemia syndrome. Last evaluated: 2020-12-31. Review status: criteria provided, single submitter. Criteria: Invitae Variant Classification Sherloc (09022015). Collection method: clinical testing. Allele origin: germline.
Comment: Algorithms developed to predict the effect of sequence changes on RNA splicing suggest that this variant may create or strengthen a splice site, but this prediction has not been confirmed by published transcriptional studies. This variant has not been reported in the literature in individuals with GATA2-related conditions. The frequency data for this variant in the population databases is considered unreliable, as metrics indicate insufficient coverage at this position in the ExAC database. This sequence change falls in intron 4 of the GATA2 gene. It does not directly change the encoded amino acid sequence of the GATA2 protein. In summary, the available evidence is currently insufficient to determine the role of this variant in disease. Therefore, it has been classified as a Variant of Uncertain Significance.